The following is an entry in ClinVar:

NM_005732.4(RAD50):c.670C>G (p.Arg224Gly)

Gene: RAD50 (RAD50 double strand break repair protein; plus strand). Cytogenetic location: 5q31.1.
Variant type: single nucleotide variant.
Coding change: c.670C>G on transcript NM_005732.4 (MANE Select); coding-DNA position 670, C replaced by G.
Protein change: p.Arg224Gly; replaces arginine 224 with glycine.
Molecular consequence: missense variant.
Genome position (GRCh38, 1-based): chr5:132,579,980, C>G. VCF-style: chr5-132579980-C-G. GRCh37 (hg19) VCF-style: chr5-131915672-C-G.
Other names: short protein forms R224G.
Identifiers: ClinVar variation 5027707 (VCV005027707.1).

ClinVar aggregate classification (germline): Uncertain significance (1 of 4 stars; one submission).

Conditions:
Hereditary cancer-predisposing syndrome. Also called: Neoplastic Syndromes, Hereditary; Tumor predisposition; Hereditary neoplastic syndrome; Hereditary Cancer Syndrome. Identifiers: Orphanet 140162, MedGen C0027672, MeSH D009386, MONDO:0015356.

gnomAD v4.1: 1 of 1,612,620 alleles (0.000062%); highest among the groups gnomAD compares: Non-Finnish European, 0.000085%; no homozygotes.

Submission:

Ambry Genetics
Classification: Uncertain significance for Hereditary cancer-predisposing syndrome. Last evaluated: 2026-06-26. Review status: criteria provided, single submitter. Criteria: Ambry Variant Classification Scheme 2023. Collection method: clinical testing. Allele origin: germline.
Comment: The p.R224G variant (also known as c.670C>G), located in coding exon 5 of the RAD50 gene, results from a C to G substitution at nucleotide position 670. The arginine at codon 224 is replaced by glycine, an amino acid with dissimilar properties. This amino acid position is conserved. In addition, this alteration is predicted to be tolerated by in silico analysis. Based on the available evidence, the clinical significance of this variant remains unclear.